The following is an entry in ClinVar:

ClinVar aggregate classification (germline): Benign. Review status: criteria provided, single submitter (1 of 4 stars). 2 submissions from 1 submitter: Benign (2). Last evaluated 2018-01-13.

Conditions:
Hereditary motor and sensory neuropathy with optic atrophy. Also called: PERIPHERAL NEUROPATHY AND OPTIC ATROPHY; CHARCOT-MARIE-TOOTH DISEASE, TYPE 6. Identifiers: Orphanet 90120, MedGen C0393807, MONDO:0019551.
Charcot-Marie-Tooth disease type 2. Also called: Charcot-Marie-Tooth type 2. Identifiers: Orphanet 64746, MedGen C0270914, MONDO:0018993.

Allele frequency attached by ClinVar (database versions not stated): 1000 Genomes Project 0.00499; TOPMed 0.00517; 1000 Genomes Project 30x 0.00484.

Submissions (2):

Illumina Laboratory Services, Illumina
Classification: Benign for Neuropathy, hereditary motor and sensory, type 6A. Last evaluated: 2018-01-13. Review status: criteria provided, single submitter. Criteria: ICSL Variant Classification Criteria 13 December 2019. Collection method: clinical testing. Allele origin: germline.
Comment: This variant was observed in the ICSL laboratory as part of a predisposition screen in an ostensibly healthy population. It had not been previously curated by ICSL or reported in the Human Gene Mutation Database (HGMD: prior to June 1st, 2018), and was therefore a candidate for classification through an automated scoring system. Utilizing variant allele frequency, disease prevalence and penetrance estimates, and inheritance mode, an automated score was calculated to assess if this variant is too frequent to cause the disease. Based on the score and internal cut-off values, a variant classified as benign is not then subjected to further curation. The score for this variant resulted in a classification of benign for this disease.

Illumina Laboratory Services, Illumina
Classification: Benign for Charcot-Marie-Tooth disease, type 2. Last evaluated: 2018-01-13. Review status: criteria provided, single submitter. Criteria: ICSL Variant Classification Criteria 13 December 2019. Collection method: clinical testing. Allele origin: germline.
Comment: the same text as in the submission from Illumina Laboratory Services, Illumina above.

NM_014874.4(MFN2):c.*1258G>A

Gene: MFN2 (mitofusin 2; plus strand). Cytogenetic location: 1p36.22.
Variant type: single nucleotide variant.
Coding change: c.*1258G>A on transcript NM_014874.4 (MANE Select); 1258 bases downstream of the stop codon, G replaced by A.
Molecular consequence: 3 prime UTR variant.
Genome position (GRCh38, 1-based): chr1:12,012,823, G>A. VCF-style: chr1-12012823-G-A. GRCh37 (hg19) VCF-style: chr1-12072880-G-A.
Other names: c.*1258G>A (NM_001127660.2).
Identifiers: ClinVar variation 292401 (VCV000292401.5), dbSNP rs116156978, ClinGen allele CA10608026.